The following is an entry in ClinVar:

NM_001035.3(RYR2):c.7360C>G (p.Pro2454Ala)

Gene: RYR2 (ryanodine receptor 2; plus strand). Cytogenetic location: 1q43.
Variant type: single nucleotide variant.
Coding change: c.7360C>G on transcript NM_001035.3 (MANE Select); coding-DNA position 7360, C replaced by G.
Protein change: p.Pro2454Ala; replaces proline 2454 with alanine.
Molecular consequence: missense variant.
Genome position (GRCh38, 1-based): chr1:237,648,461, C>G. VCF-style: chr1-237648461-C-G. GRCh37 (hg19) VCF-style: chr1-237811761-C-G.
Other names: short protein forms P2454A.
Identifiers: ClinVar variation 920965 (VCV000920965.5), dbSNP rs1682394014, ClinGen allele CA345398027.

ClinVar aggregate classification (germline): Uncertain significance. Review status: criteria provided, multiple submitters, no conflicts (2 of 4 stars). 2 submissions from 2 submitters: Uncertain significance (2). Last evaluated 2024-03-06.

Conditions:
Cardiomyopathy (CMYO). Also called: Cardiomyopathies. Identifiers: Orphanet 167848, MedGen C0878544, MONDO:0004994, HP:0001638. Inheritance: Various modes of inheritance.

Submissions (2):

Color Diagnostics, LLC DBA Color Health
Classification: Uncertain significance for Cardiomyopathy. Last evaluated: 2024-03-06. Review status: criteria provided, single submitter. Criteria: ACMG Guidelines, 2015. Collection method: clinical testing. Allele origin: germline.
Comment: This variant is located in the RYR2 protein. Computational prediction suggests that this variant may have deleterious impact on protein structure and function (internally defined REVEL score threshold >= 0.7, PMID: 27666373). To our knowledge, functional studies have not been reported for this variant. This variant has not been reported in individuals affected with cardiovascular disorders in the literature. This variant has not been identified in the general population by the Genome Aggregation Database (gnomAD). The available evidence is insufficient to determine the role of this variant in disease conclusively. Therefore, this variant is classified as a Variant of Uncertain Significance.

AiLife Diagnostics
Classification: Uncertain significance. Last evaluated: 2020-05-08. Review status: criteria provided, single submitter. Criteria: ACMG Guidelines, 2015. Collection method: clinical testing. Allele origin: germline. Affected: yes. Observed: 2 variant alleles.